The following is an entry in ClinVar:

NM_020831.6(MRTFA):c.1642G>A (p.Gly548Ser)

Gene: MRTFA (myocardin related transcription factor A; minus strand). Cytogenetic location: 22q13.1.
Variant type: single nucleotide variant.
Coding change: c.1642G>A on transcript NM_020831.6 (MANE Select); coding-DNA position 1642, G replaced by A.
Protein change: p.Gly548Ser; replaces glycine 548 with serine.
Molecular consequence: missense variant.
Genome position (GRCh38, 1-based): chr22:40,419,096, C>T on the plus strand (G>A on the coding strand, the complement: MRTFA is on the minus strand). VCF-style: chr22-40419096-C-T. GRCh37 (hg19) VCF-style: chr22-40815100-C-T.
Other names: c.1342G>A, p.Gly448Ser (NM_001282660.2); c.1492G>A, p.Gly498Ser (NM_001282661.3); c.1642G>A, p.Gly548Ser (NM_001282662.3); c.1447G>A, p.Gly483Ser (NM_001318139.2); short protein forms G498S, G483S, G548S, G448S.
Identifiers: ClinVar variation 2721738 (VCV002721738.3), dbSNP rs2517817084, ClinGen allele CA411661427.

ClinVar aggregate classification (germline): Uncertain significance (1 of 4 stars; one submission).

Submission:

Labcorp Genetics (formerly Invitae), Labcorp
Classification: Uncertain significance. Last evaluated: 2023-06-21. Review status: criteria provided, single submitter. Criteria: Invitae Variant Classification Sherloc (09022015). Collection method: clinical testing. Allele origin: germline.
Comment: In summary, the available evidence is currently insufficient to determine the role of this variant in disease. Therefore, it has been classified as a Variant of Uncertain Significance. An algorithm developed to predict the effect of missense changes on protein structure and function (PolyPhen-2) suggests that this variant is likely to be disruptive. This variant has not been reported in the literature in individuals affected with MKL1-related conditions. This variant is not present in population databases (gnomAD no frequency). This sequence change replaces glycine, which is neutral and non-polar, with serine, which is neutral and polar, at codon 448 of the MKL1 protein (p.Gly448Ser).